The following is an entry in ClinVar:

NM_004994.3(MMP9):c.1611G>C (p.Gly537=)

Genes: MMP9 (matrix metallopeptidase 9; plus strand), SLC12A5-AS1 (SLC12A5 and MMP9 antisense RNA 1; minus strand). Cytogenetic location: 20q13.12.
Variant type: single nucleotide variant.
Coding change: c.1611G>C on transcript NM_004994.3 (MANE Select); coding-DNA position 1611, G replaced by C.
Protein change: p.Gly537=; no amino-acid change (glycine 537 retained).
Molecular consequence: synonymous variant. On other transcripts: non-coding transcript variant (1).
Genome position (GRCh38, 1-based): chr20:46,013,657, G>C. VCF-style: chr20-46013657-G-C. GRCh37 (hg19) VCF-style: chr20-44642296-G-C.
Identifiers: ClinVar variation 3694808 (VCV003694808.2).

ClinVar aggregate classification (germline): Uncertain significance (1 of 4 stars; one submission).

Submission:

Labcorp Genetics (formerly Invitae), Labcorp
Classification: Uncertain significance. Last evaluated: 2024-11-12. Review status: criteria provided, single submitter. Criteria: Invitae Variant Classification Sherloc (09022015). Collection method: clinical testing. Allele origin: germline.
Comment: This sequence change affects codon 537 of the MMP9 mRNA. It is a 'silent' change, meaning that it does not change the encoded amino acid sequence of the MMP9 protein. It affects a nucleotide within the consensus splice site. This variant is not present in population databases (gnomAD no frequency). This variant has not been reported in the literature in individuals affected with MMP9-related conditions. Algorithms developed to predict the effect of sequence changes on RNA splicing suggest that this variant is not likely to affect RNA splicing. In summary, the available evidence is currently insufficient to determine the role of this variant in disease. Therefore, it has been classified as a Variant of Uncertain Significance.